The following is an entry in ClinVar:

ClinVar aggregate classification (germline): Uncertain significance (1 of 4 stars; one submission).

Submission:

GeneDx
Classification: Uncertain significance. Last evaluated: 2017-07-18. Review status: criteria provided, single submitter. Criteria: GeneDx Variant Classification (06012015). Collection method: clinical testing. Allele origin: germline. Affected: yes.
Comment: This variant is denoted p.Glu414Val (GAG>GTG): c.1241 A>T in exon 1 of the PCDH19 gene (NM_001105243.1). The novel E414V missense change has not been published as a pathogenic variant, nor has it been reported as a benign variant to our knowledge. The E414V variant is not observed in large population cohorts (Lek et al., 2016; 1000 Genomes Consortium et al., 2015; Exome Variant Server). E414V is a non-conservative amino acid substitution, which is likely to impact secondary protein structure as these residues differ in polarity, charge, size and/or other properties. It alters a highly conserved position predicted to be part of a calcium-binding motif located in the fourth extracellular domain of the protein (Marini et al., 2010), and multiple in silico algorithms predict that E414V is probably damaging to the protein structure/function. Therefore, based on the currently available information, it is unclear whether this variant is a pathogenic variant or a rare benign variant. The variant is found in INFANT-EPI panel(s).

NM_001184880.2(PCDH19):c.1241A>T (p.Glu414Val)

Gene: PCDH19 (protocadherin 19; minus strand). Cytogenetic location: Xq22.1.
Variant type: single nucleotide variant.
Coding change: c.1241A>T on transcript NM_001184880.2 (MANE Select); coding-DNA position 1241, A replaced by T.
Protein change: p.Glu414Val; replaces glutamic acid 414 with valine.
Molecular consequence: missense variant.
Genome position (GRCh38, 1-based): chrX:100,407,357, T>A on the plus strand (A>T on the coding strand, the complement: PCDH19 is on the minus strand). VCF-style: chrX-100407357-T-A. GRCh37 (hg19) VCF-style: chrX-99662355-T-A.
Other names: p.E414V:GAG>GTG; c.1241A>T, p.Glu414Val (NM_001105243.2, NM_020766.3); short protein forms E414V.
Identifiers: ClinVar variation 206330 (VCV000206330.2), dbSNP rs796052814, ClinGen allele CA316345.